The following is an entry in ClinVar:

NM_001486.4(GCKR):c.1147C>A (p.Pro383Thr)

Gene: GCKR (glucokinase regulator; plus strand). Cytogenetic location: 2p23.3.
Variant type: single nucleotide variant.
Coding change: c.1147C>A on transcript NM_001486.4 (MANE Select); coding-DNA position 1147, C replaced by A.
Protein change: p.Pro383Thr; replaces proline 383 with threonine.
Molecular consequence: missense variant.
Genome position (GRCh38, 1-based): chr2:27,507,684, C>A. VCF-style: chr2-27507684-C-A. GRCh37 (hg19) VCF-style: chr2-27730551-C-A.
Other names: short protein forms P383T.
Identifiers: ClinVar variation 2650771 (VCV002650771.27), dbSNP rs201731254, ClinGen allele CA1581885.

ClinVar aggregate classification (germline): Conflicting classifications of pathogenicity. Review status: criteria provided, conflicting classifications (1 of 4 stars). 2 submissions from 2 submitters: Uncertain significance (1); Likely benign (1). Last evaluated 2024-10-06.

Allele frequency attached by ClinVar (database versions not stated): ESP Exome Variant Server 0.00008; TOPMed 0.00012; ExAC 0.00013; gnomAD 0.00013; gnomAD exomes 0.00021.
gnomAD v4.1: 319 of 1,579,446 alleles (0.02%); highest among the groups gnomAD compares: Non-Finnish European, 0.027%; no homozygotes.

Submissions (2):

Labcorp Genetics (formerly Invitae), Labcorp
Classification: Uncertain significance. Last evaluated: 2024-10-06. Review status: criteria provided, single submitter. Criteria: Invitae Variant Classification Sherloc (09022015). Collection method: clinical testing. Allele origin: germline.
Comment: This sequence change replaces proline, which is neutral and non-polar, with threonine, which is neutral and polar, at codon 383 of the GCKR protein (p.Pro383Thr). This variant is present in population databases (rs201731254, gnomAD 0.03%). This missense change has been observed in individual(s) with glucokinase regulatory protein deficiency (PMID: 36325899). ClinVar contains an entry for this variant (Variation ID: 2650771). Invitae Evidence Modeling of protein sequence and biophysical properties (such as structural, functional, and spatial information, amino acid conservation, physicochemical variation, residue mobility, and thermodynamic stability) indicates that this missense variant is not expected to disrupt GCKR protein function with a negative predictive value of 80%. Experimental studies have shown that this missense change does not substantially affect GCKR function (PMID: 22182842). In summary, the available evidence is currently insufficient to determine the role of this variant in disease. Therefore, it has been classified as a Variant of Uncertain Significance.

CeGaT Center for Human Genetics Tuebingen
Classification: Likely benign. Last evaluated: 2023-08-01. Review status: criteria provided, single submitter. Criteria: CeGaT Center For Human Genetics Tuebingen Variant Classification Criteria Version 2. Collection method: clinical testing. Allele origin: germline. Affected: yes. Observed: 1 variant allele.
Comment: GCKR: BP4

Literature cited by the submitters: PubMed 36325899 (cited by Labcorp Genetics (formerly Invitae), Labcorp); PubMed 22182842 (cited by Labcorp Genetics (formerly Invitae), Labcorp).